The following is an entry in ClinVar:

NM_012268.4(PLD3):c.1062C>T (p.Tyr354=)

Gene: PLD3 (phospholipase D family member 3; plus strand). Cytogenetic location: 19q13.2.
Variant type: single nucleotide variant.
Coding change: c.1062C>T on transcript NM_012268.4 (MANE Select); coding-DNA position 1062, C replaced by T.
Protein change: p.Tyr354=; no amino-acid change (tyrosine 354 retained).
Molecular consequence: synonymous variant.
Genome position (GRCh38, 1-based): chr19:40,376,651, C>T. VCF-style: chr19-40376651-C-T. GRCh37 (hg19) VCF-style: chr19-40882558-C-T.
Other names: p.Tyr354=; c.1062C>T, p.Tyr354= (NM_001031696.4, NM_001291311.2).
Identifiers: ClinVar variation 777476 (VCV000777476.33), dbSNP rs139860064, ClinGen allele CA9442926.

ClinVar aggregate classification (germline): Benign/Likely benign. Review status: criteria provided, multiple submitters, no conflicts (2 of 4 stars). 4 submissions from 4 submitters: Benign (1); Likely benign (2). 1 of the submissions does not count toward it. Last evaluated 2026-01-01.

Conditions:
PLD3-related disorder. Also called: PLD3-related condition.

Allele frequency attached by ClinVar (database versions not stated): gnomAD exomes 0.00036 and 0.00070; ExAC 0.00085; 1000 Genomes Project 0.00180; 1000 Genomes Project 30x 0.00219; gnomAD 0.00253 and 0.00272; ESP Exome Variant Server 0.00261; TOPMed 0.00285.
gnomAD v4.1: 926 of 1,607,700 alleles (0.058%); highest among the groups gnomAD compares: African/African-American, 0.87%; 4 homozygotes.

Submissions (4):

CeGaT Center for Human Genetics Tuebingen
Classification: Likely benign. Last evaluated: 2026-01-01. Review status: criteria provided, single submitter. Criteria: CeGaT Center For Human Genetics Tuebingen Variant Classification Criteria Version 2. Collection method: clinical testing. Allele origin: germline. Affected: yes. Observed: 2 variant alleles.
Comment: PLD3: BP4, BP7

Labcorp Genetics (formerly Invitae), Labcorp
Classification: Benign. Last evaluated: 2025-11-24. Review status: criteria provided, single submitter. Criteria: Invitae Variant Classification Sherloc (09022015). Collection method: clinical testing. Allele origin: germline.

Mayo Clinic Laboratories, Mayo Clinic
Classification: Likely benign. Last evaluated: 2025-10-19. Review status: criteria provided, single submitter. Criteria: ACMG Guidelines, 2015. Collection method: clinical testing. Allele origin: germline. Observed: 2 variant alleles.
Comment: BS2, BP4, BP7

PreventionGenetics, part of Exact Sciences
Classification: Benign for PLD3-related condition. Last evaluated: 2020-03-17. Review status: no assertion criteria provided. Collection method: clinical testing. Allele origin: germline. Not counted in ClinVar's aggregate classification.
Comment: This variant is classified as benign based on ACMG/AMP sequence variant interpretation guidelines (Richards et al. 2015 PMID: 25741868, with internal and published modifications).